The following is an entry in ClinVar:

NM_023068.4(SIGLEC1):c.4163C>A (p.Thr1388Lys)

Gene: SIGLEC1 (sialic acid binding Ig like lectin 1; minus strand). Cytogenetic location: 20p13.
Variant type: single nucleotide variant.
Coding change: c.4163C>A on transcript NM_023068.4 (MANE Select); coding-DNA position 4163, C replaced by A.
Protein change: p.Thr1388Lys; replaces threonine 1388 with lysine.
Molecular consequence: missense variant.
Genome position (GRCh38, 1-based): chr20:3,692,070, G>T on the plus strand (C>A on the coding strand, the complement: SIGLEC1 is on the minus strand). VCF-style: chr20-3692070-G-T. GRCh37 (hg19) VCF-style: chr20-3672717-G-T.
Other names: c.4163C>A, p.Thr1388Lys (NM_001367089.1); short protein forms T1388K.
Identifiers: ClinVar variation 2652181 (VCV002652181.24), dbSNP rs146035034, ClinGen allele CA9746234.

ClinVar aggregate classification (germline): Likely benign (1 of 4 stars; one submission).

Allele frequency attached by ClinVar (database versions not stated): 1000 Genomes Project 30x 0.00016; 1000 Genomes Project 0.00020; ESP Exome Variant Server 0.00085; gnomAD 0.00102; ExAC 0.00109.
gnomAD v4.1: 1,434 of 1,611,468 alleles (0.089%); highest among the groups gnomAD compares: Middle Eastern, 0.13%; 13 homozygotes.

Submission:

CeGaT Center for Human Genetics Tuebingen
Classification: Likely benign. Last evaluated: 2024-11-01. Review status: criteria provided, single submitter. Criteria: CeGaT Center For Human Genetics Tuebingen Variant Classification Criteria Version 2. Collection method: clinical testing. Allele origin: germline. Affected: yes. Observed: 3 variant alleles.
Comment: SIGLEC1: BP4